The following is an entry in ClinVar:

NM_001122681.2(SH3BP2):c.*6109A>G

Gene: SH3BP2 (SH3 domain binding protein 2; plus strand). Cytogenetic location: 4p16.3.
Variant type: single nucleotide variant.
Coding change: c.*6109A>G on transcript NM_001122681.2 (MANE Select); 6109 bases downstream of the stop codon, A replaced by G.
Molecular consequence: 3 prime UTR variant.
Genome position (GRCh38, 1-based): chr4:2,839,943, A>G. VCF-style: chr4-2839943-A-G. GRCh37 (hg19) VCF-style: chr4-2841670-A-G.
Other names: c.*6109A>G (LRG_1334t1, LRG_1334t2, NM_001145855.2 and 2 more transcripts).
Identifiers: ClinVar variation 348702 (VCV000348702.5), dbSNP rs114105937, ClinGen allele CA10617707.
Genomic context (GRCh38, chr4:2,839,943, plus strand): 5'-TTGAATTGATCAGTGTTTTCATTTTGGTTAGTGCTTTTTGTGGCTTAAGAAATTCTTTCC[A>G]GGCTGGGTACAGTGGCTCACACCTGTAATGCCAGCACTTTGGGGGCAGAGGCAGGAGGAT-3'

ClinVar aggregate classification (germline): Benign (1 of 4 stars; one submission).

Conditions:
Fibrous dysplasia of jaw (CRBM). Also called: Cherubism. Identifiers: Orphanet 184, MedGen C0008029, MONDO:0007315, OMIM 118400.

Allele frequency attached by ClinVar (database versions not stated): gnomAD exomes 0.01250; gnomAD 0.03152 and 0.03378; 1000 Genomes Project 0.03415; TOPMed 0.03597; 1000 Genomes Project 30x 0.03607.
gnomAD v4.1: 4,753 of 152,138 alleles (3.1%); highest among the groups gnomAD compares: African/African-American, 11%; 276 homozygotes.

Submission:

Illumina Laboratory Services, Illumina
Classification: Benign for Fibrous dysplasia of jaw. Last evaluated: 2018-01-13. Review status: criteria provided, single submitter. Criteria: ICSL Variant Classification Criteria 13 December 2019. Collection method: clinical testing. Allele origin: germline.
Comment: This variant was observed in the ICSL laboratory as part of a predisposition screen in an ostensibly healthy population. It had not been previously curated by ICSL or reported in the Human Gene Mutation Database (HGMD: prior to June 1st, 2018), and was therefore a candidate for classification through an automated scoring system. Utilizing variant allele frequency, disease prevalence and penetrance estimates, and inheritance mode, an automated score was calculated to assess if this variant is too frequent to cause the disease. Based on the score and internal cut-off values, a variant classified as benign is not then subjected to further curation. The score for this variant resulted in a classification of benign for this disease.